The following is an entry in ClinVar:

NM_173854.6(SLC41A1):c.1207+5C>T

Gene: SLC41A1 (solute carrier family 41 member 1; minus strand). Cytogenetic location: 1q32.1.
Variant type: single nucleotide variant.
Coding change: c.1207+5C>T on transcript NM_173854.6 (MANE Select); 5 bases into the intron after coding-DNA position 1207, C replaced by T.
Molecular consequence: intron variant.
Genome position (GRCh38, 1-based): chr1:205,795,339, G>A on the plus strand (C>T on the coding strand, the complement: SLC41A1 is on the minus strand). VCF-style: chr1-205795339-G-A. GRCh37 (hg19) VCF-style: chr1-205764467-G-A.
Identifiers: ClinVar variation 2058620 (VCV002058620.4), dbSNP rs200085602, ClinGen allele CA1357195.
Genomic context (GRCh38, chr1:205,795,339, plus strand): 5'-AAGTGAAGCTCACTGACAGTAGGCCCACTCCCCCCAGGGCTGGGAGGCTGGGAATCTGCC[G>A]TTACCAGGGCTGAAGAAGGTGGTACAAGGACTGGGACAGCGGCGAGGAGCTTGCTCAGAG-3'

ClinVar aggregate classification (germline): Uncertain significance (1 of 4 stars; one submission).

Allele frequency attached by ClinVar (database versions not stated): 1000 Genomes Project 0.00040; 1000 Genomes Project 30x 0.00047; ExAC 0.00067; ESP Exome Variant Server 0.00085; TOPMed 0.00101; gnomAD 0.00105; gnomAD exomes 0.00183.

Submission:

Labcorp Genetics (formerly Invitae), Labcorp
Classification: Uncertain significance. Last evaluated: 2026-01-04. Review status: criteria provided, single submitter. Criteria: Invitae Variant Classification Sherloc (09022015). Collection method: clinical testing. Allele origin: germline.
Comment: This sequence change falls in intron 9 of the SLC41A1 gene. It does not directly change the encoded amino acid sequence of the SLC41A1 protein. It affects a nucleotide within the consensus splice site. This variant is present in population databases (rs200085602, gnomAD 0.2%), and has an allele count higher than expected for a pathogenic variant. This variant has not been reported in the literature in individuals affected with SLC41A1-related conditions. ClinVar contains an entry for this variant (Variation ID: 2058620). Variants that disrupt the consensus splice site are a relatively common cause of aberrant splicing (PMID: 17576681, 9536098). Algorithms developed to predict the effect of sequence changes on RNA splicing suggest that this variant is not likely to affect RNA splicing. In summary, the available evidence is currently insufficient to determine the role of this variant in disease. Therefore, it has been classified as a Variant of Uncertain Significance.

Literature cited by the submitters: PubMed 17576681; PubMed 9536098.